The following is an entry in ClinVar:

ClinVar aggregate classification (germline): Pathogenic (1 of 4 stars; one submission).

Submission:

Labcorp Genetics (formerly Invitae), Labcorp
Classification: Pathogenic. Last evaluated: 2019-07-23. Review status: criteria provided, single submitter. Criteria: Invitae Variant Classification Sherloc (09022015). Collection method: clinical testing. Allele origin: germline.
Comment: For these reasons, this variant has been classified as Pathogenic. Loss-of-function variants in ARID1B are known to be pathogenic (PMID: 24674232, 25674384). This variant has not been reported in the literature in individuals with ARID1B-related conditions. This variant is not present in population databases (ExAC no frequency). This sequence change creates a premature translational stop signal (p.Ala945Glyfs*44) in the ARID1B gene. It is expected to result in an absent or disrupted protein product.

Literature cited by the submitters: PubMed 24674232; PubMed 25674384.

NM_001374828.1(ARID1B):c.3043dup (p.Ala1015fs)

Gene: ARID1B (AT-rich interaction domain 1B; plus strand). Cytogenetic location: 6q25.3.
Variant type: Duplication.
Coding change: c.3043dup on transcript NM_001374828.1 (MANE Select); coding-DNA position 3043, one base duplicated (G; older notation c.3043dupG).
Protein change: p.Ala1015fs; shifts the reading frame from alanine 1015.
Molecular consequence: frameshift variant.
Genome position (GRCh38, 1-based): chr6:157,148,905, G duplicated; the last of 2 consecutive G bases (chr6:157,148,904-157,148,905); duplicating either gives the same sequence. VCF-style (leftmost placement, unchanged base first): chr6-157148903-A-AG. GRCh37 (hg19) VCF-style: chr6-157470037-A-AG.
Other names: c.2833dup (NM_020732.3); c.544dup, p.Ala182fs (NM_001363725.2); c.3082dup, p.Ala1028fs (NM_001371656.1, NM_001374820.1); c.3043dup, p.Ala1015fs (NM_017519.3); short protein forms A1015fs, A1028fs, A182fs.
Identifiers: ClinVar variation 950787 (VCV000950787.7), dbSNP rs1789997179, ClinGen allele CA1139659887.
Genomic context (GRCh38, chr6:157,148,903, plus strand): 5'-CTCAGCAGGGAGGGCCAGGAATGGGGCCGCCAATGCCAACTGTGAACCGTAAGGCACAGG[A>AG]GGCAGCCGCAGCAGTGATGCAGGCTGCTGCGAACTCAGCACAAAGCAGGTACGCCACCCA-3'